The following is an entry in ClinVar:

ClinVar aggregate classification (germline): Conflicting classifications of pathogenicity. Review status: criteria provided, conflicting classifications (1 of 4 stars). 6 submissions from 6 submitters: Uncertain significance (1); Likely benign (4). 1 of the submissions does not count toward it. Last evaluated 2026-09-01.

Conditions:
Sucrase-isomaltase deficiency (CSID). Also called: Deficiency of isomaltase; SI DEFICIENCY; Congenital sucrose isomaltose malabsorption; Sucrose isomaltose enzyme deficiency. Identifiers: Orphanet 35122, MedGen C1283620, MONDO:0009114, OMIM 222900.
SI-related disorder. Also called: SI-related condition.

Allele frequency attached by ClinVar (database versions not stated): 1000 Genomes Project 0.00080; 1000 Genomes Project 30x 0.00094; gnomAD 0.00198; gnomAD exomes 0.00233 and 0.00350; TOPMed 0.00273; ESP Exome Variant Server 0.00284.
gnomAD v4.1: 5,466 of 1,610,570 alleles (0.34%); highest among the groups gnomAD compares: Non-Finnish European, 0.42%; 16 homozygotes.

Submissions (6):

CeGaT Center for Human Genetics Tuebingen
Classification: Likely benign. Last evaluated: 2026-09-01. Review status: criteria provided, single submitter. Criteria: CeGaT Center For Human Genetics Tuebingen Variant Classification Criteria Version 2. Collection method: clinical testing. Allele origin: germline. Affected: yes. Observed: 2 variant alleles.
Comment: SI: BP4

Labcorp Genetics (formerly Invitae), Labcorp
Classification: Likely benign. Last evaluated: 2026-02-03. Review status: criteria provided, single submitter. Criteria: Invitae Variant Classification Sherloc (09022015). Collection method: clinical testing. Allele origin: germline.

Mayo Clinic Laboratories, Mayo Clinic
Classification: Likely benign. Last evaluated: 2025-11-08. Review status: criteria provided, single submitter. Criteria: ACMG Guidelines, 2015. Collection method: clinical testing. Allele origin: germline. Observed: 1 variant allele.
Comment: BS2, BP4

Blueprint Genetics
Classification: Likely benign. Last evaluated: 2024-11-25. Review status: criteria provided, single submitter. Criteria: ACMG Guidelines, 2015. Collection method: clinical testing. Allele origin: germline.

Illumina Laboratory Services, Illumina
Classification: Uncertain significance for Sucrase-isomaltase deficiency. Last evaluated: 2018-01-12. Review status: criteria provided, single submitter. Criteria: ICSL Variant Classification Criteria 13 December 2019. Collection method: clinical testing. Allele origin: germline.

PreventionGenetics, part of Exact Sciences
Classification: Likely benign for SI-related condition. Last evaluated: 2022-02-16. Review status: no assertion criteria provided. Collection method: clinical testing. Allele origin: germline. Not counted in ClinVar's aggregate classification.
Comment: This variant is classified as likely benign based on ACMG/AMP sequence variant interpretation guidelines (Richards et al. 2015 PMID: 25741868, with internal and published modifications).

Literature cited by the submitters: PubMed 32732636 (cited by Mayo Clinic Laboratories, Mayo Clinic); PubMed 34186061 (cited by Mayo Clinic Laboratories, Mayo Clinic); PubMed 37349966 (cited by Mayo Clinic Laboratories, Mayo Clinic).

NM_001041.4(SI):c.2395A>G (p.Ile799Val)

Gene: SI (sucrase-isomaltase; minus strand). Cytogenetic location: 3q26.1.
Variant type: single nucleotide variant.
Coding change: c.2395A>G on transcript NM_001041.4 (MANE Select); coding-DNA position 2395, A replaced by G.
Protein change: p.Ile799Val; replaces isoleucine 799 with valine.
Molecular consequence: missense variant.
Genome position (GRCh38, 1-based): chr3:165,037,931, T>C on the plus strand (A>G on the coding strand, the complement: SI is on the minus strand). VCF-style: chr3-165037931-T-C. GRCh37 (hg19) VCF-style: chr3-164755719-T-C.
Other names: p.Ile799Val; short protein forms I799V.
Identifiers: ClinVar variation 344044 (VCV000344044.33), dbSNP rs150246328, ClinGen allele CA2690712.